The following is an entry in ClinVar:

ClinVar aggregate classification (germline): Benign/Likely benign. Review status: criteria provided, multiple submitters, no conflicts (2 of 4 stars). 3 submissions from 3 submitters: Benign (1); Likely benign (2). Last evaluated 2024-12-19.

Conditions:
Hereditary nonpolyposis colorectal neoplasms. Identifiers: MedGen C0009405, MeSH D003123.
Hereditary cancer-predisposing syndrome. Also called: Hereditary Cancer Syndrome; Tumor predisposition; Hereditary neoplastic syndrome; Neoplastic Syndromes, Hereditary. Identifiers: Orphanet 140162, MedGen C0027672, MeSH D009386, MONDO:0015356.
Lynch syndrome 5 (LYNCH5). Also called: Hereditary non-polyposis colorectal cancer, type 5; Colorectal cancer, hereditary nonpolyposis, type 5. Identifiers: Orphanet 144, MedGen C1833477, MONDO:0013710, OMIM 614350. Disease mechanism: loss of function.

Submissions (3):

Myriad Genetics, Inc.
Classification: Benign for Lynch syndrome 5. Last evaluated: 2024-12-19. Review status: criteria provided, single submitter. Criteria: Myriad Autosomal Dominant, Autosomal Recessive and X-Linked Classification Criteria (2023). Collection method: clinical testing. Allele origin: unknown.
Comment: This variant is considered benign. This variant is a silent/synonymous amino acid change and it is not expected to impact splicing.

Ambry Genetics
Classification: Likely benign for Hereditary cancer-predisposing syndrome. Last evaluated: 2024-08-01. Review status: criteria provided, single submitter. Criteria: Ambry Variant Classification Scheme 2023. Collection method: clinical testing. Allele origin: germline.

Labcorp Genetics (formerly Invitae), Labcorp
Classification: Likely benign for Hereditary nonpolyposis colorectal neoplasms. Last evaluated: 2024-05-08. Review status: criteria provided, single submitter. Criteria: Invitae Variant Classification Sherloc (09022015). Collection method: clinical testing. Allele origin: germline.

NM_000179.3(MSH6):c.729C>G (p.Arg243=)

Gene: MSH6 (mutS homolog 6; plus strand). Cytogenetic location: 2p16.3.
Variant type: single nucleotide variant.
Coding change: c.729C>G on transcript NM_000179.3 (MANE Select); coding-DNA position 729, C replaced by G.
Protein change: p.Arg243=; no amino-acid change (arginine 243 retained).
Molecular consequence: synonymous variant. On other transcripts: 5 prime UTR variant (9), non-coding transcript variant (4), intron variant (1).
Genome position (GRCh38, 1-based): chr2:47,798,712, C>G. VCF-style: chr2-47798712-C-G. GRCh37 (hg19) VCF-style: chr2-48025851-C-G.
Other names: c.339C>G, p.Arg113= (NM_001281492.2); c.-178C>G (NM_001281493.2, NM_001281494.2, NM_001406811.1 and 6 more transcripts); c.825C>G, p.Arg275= (NM_001406795.1, NM_001406802.1); c.729C>G, p.Arg243= (NM_001406796.1, NM_001406798.1, NM_001406800.1 and 4 more transcripts); c.432C>G, p.Arg144= (NM_001406797.1, NM_001406801.1, NM_001406805.1 and 10 more transcripts); c.204C>G, p.Arg68= (NM_001406799.1, NM_001406806.1, NM_001406807.1); c.651C>G, p.Arg217= (NM_001406804.1); c.735C>G, p.Arg245= (NM_001406813.1); and 2 more.
Identifiers: ClinVar variation 3398887 (VCV003398887.4).